The following is an entry in ClinVar:

ClinVar aggregate classification (germline): Uncertain significance (1 of 4 stars; one submission).

Conditions:
Sandhoff disease. Also called: Beta-hexosaminidase-beta-subunit deficiency; GM2 gangliosidosis, type 2; Total hexosaminidase deficiency; Sandhoff-Jatzkewitz-Pilz disease; GM2-GANGLIOSIDOSIS, TYPE II; HEXOSAMINIDASES A AND B DEFICIENCY. Identifiers: Orphanet 796, MedGen C0036161, MONDO:0010006, OMIM 268800.

Allele frequency attached by ClinVar (database versions not stated): gnomAD exomes below 0.00001.
gnomAD v4.1: 2 of 1,611,092 alleles (0.00012%); highest among the groups gnomAD compares: Non-Finnish European, 0.000085%; no homozygotes.

Submission:

Labcorp Genetics (formerly Invitae), Labcorp
Classification: Uncertain significance for Sandhoff disease. Last evaluated: 2021-09-01. Review status: criteria provided, single submitter. Criteria: Invitae Variant Classification Sherloc (09022015). Collection method: clinical testing. Allele origin: germline.
Comment: This sequence change replaces glycine with arginine at codon 301 of the HEXB protein (p.Gly301Arg). The glycine residue is highly conserved and there is a moderate physicochemical difference between glycine and arginine. This variant also falls at the last nucleotide of exon 7, which is part of the consensus splice site for this exon. This variant is not present in population databases (ExAC no frequency). This missense change has been observed in individual(s) with Sandhoff disease (Invitae). Algorithms developed to predict the effect of missense changes on protein structure and function (SIFT, PolyPhen-2, Align-GVGD) all suggest that this variant is likely to be disruptive. Variants that disrupt the consensus splice site are a relatively common cause of aberrant splicing (PMID: 17576681, 9536098). Algorithms developed to predict the effect of sequence changes on RNA splicing suggest that this variant may disrupt the consensus splice site. In summary, the available evidence is currently insufficient to determine the role of this variant in disease. Therefore, it has been classified as a Variant of Uncertain Significance.

Literature cited by the submitters: PubMed 17576681; PubMed 9536098.

NM_000521.4(HEXB):c.901G>C (p.Gly301Arg)

Gene: HEXB (hexosaminidase subunit beta; plus strand). Cytogenetic location: 5q13.3.
Variant type: single nucleotide variant.
Coding change: c.901G>C on transcript NM_000521.4 (MANE Select); coding-DNA position 901, G replaced by C.
Protein change: p.Gly301Arg; replaces glycine 301 with arginine.
Molecular consequence: missense variant.
Genome position (GRCh38, 1-based): chr5:74,713,635, G>C. VCF-style: chr5-74713635-G-C. GRCh37 (hg19) VCF-style: chr5-74009460-G-C.
Other names: c.226G>C, p.Gly76Arg (NM_001292004.2); short protein forms G301R, G76R.
Identifiers: ClinVar variation 1058647 (VCV001058647.6), dbSNP rs2112172036, ClinGen allele CA360067228.
Genomic context (GRCh38, chr5:74,713,635, plus strand): 5'-CGAGGAATTCGAGTCCTGCCAGAATTTGATACCCCTGGGCATACACTATCTTGGGGAAAA[G>C]GTAAGGAGTTGTATTTTATTTCATTTTATCTTATTTTTTATTTTTTGAGATGGAGTCTTG-3'
Protein context (NP_000512.2, residues 291-311): TPGHTLSWGK[Gly301Arg]QKDLLTPCYS